The following is an entry in ClinVar:

NM_138281.3(DLX4):c.231G>A (p.Ala77=)

Gene: DLX4 (distal-less homeobox 4; plus strand). Cytogenetic location: 17q21.33.
Variant type: single nucleotide variant.
Coding change: c.231G>A on transcript NM_138281.3 (MANE Select); coding-DNA position 231, G replaced by A.
Protein change: p.Ala77=; no amino-acid change (alanine 77 retained).
Molecular consequence: synonymous variant.
Genome position (GRCh38, 1-based): chr17:49,969,699, G>A. VCF-style: chr17-49969699-G-A. GRCh37 (hg19) VCF-style: chr17-48047063-G-A.
Identifiers: ClinVar variation 3039840 (VCV003039840.2), dbSNP rs200168432, ClinGen allele CA8640735.
Genomic context (GRCh38, chr17:49,969,699, plus strand): 5'-CCCCTACACCGAGCCAGCGAACCCCGGAGACTCCTACCTGTCCTGCCAGCAACCCGCGGC[G>A]CTCTCTCAGCCCCTCTGCGGACCTGCAGAGCACCCTCAGGAACTCGAGGCAGGTAAGTTC-3'
Protein context (NP_612138.1, residues 67-87): DSYLSCQQPA[Ala77=]LSQPLCGPAE

ClinVar aggregate classification (germline): Likely benign (0 of 4 stars; one submission).

Conditions:
DLX4-related disorder. Also called: DLX4-related condition.

gnomAD v4.1: 43 of 1,602,824 alleles (0.0027%); highest among the groups gnomAD compares: Non-Finnish European, 0.0036%; no homozygotes.

Submission:

PreventionGenetics, part of Exact Sciences
Classification: Likely benign for DLX4-related condition. Last evaluated: 2019-09-17. Review status: no assertion criteria provided. Collection method: clinical testing. Allele origin: germline.
Comment: This variant is classified as likely benign based on ACMG/AMP sequence variant interpretation guidelines (Richards et al. 2015 PMID: 25741868, with internal and published modifications).